The following is an entry in ClinVar:

ClinVar aggregate classification (germline): Uncertain significance (1 of 4 stars; one submission).

Conditions:
Familial sleep-related hypermotor epilepsy. Also called: Autosomal Dominant Sleep-Related Hypermotor (Hyperkinetic) Epilepsy. Identifiers: Orphanet 98784, MedGen C3696898, MONDO:0000030.

Submission:

Labcorp Genetics (formerly Invitae), Labcorp
Classification: Uncertain significance. Last evaluated: 2018-05-02. Review status: criteria provided, single submitter. Criteria: Invitae Variant Classification Sherloc (09022015). Collection method: clinical testing. Allele origin: germline.
Comment: In summary, the available evidence is currently insufficient to determine the role of this variant in disease. Therefore, it has been classified as a Variant of Uncertain Significance. Algorithms developed to predict the effect of missense changes on protein structure and function (SIFT, PolyPhen-2, Align-GVGD) all suggest that this variant is likely to be tolerated, but these predictions have not been confirmed by published functional studies and their clinical significance is uncertain. This variant has not been reported in the literature in individuals with CHRNA2-related disease. This variant is not present in population databases (ExAC no frequency). This sequence change replaces leucine with methionine at codon 460 of the CHRNA2 protein (p.Leu460Met). The leucine residue is weakly conserved and there is a small physicochemical difference between leucine and methionine.

NM_000742.4(CHRNA2):c.1378C>A (p.Leu460Met)

Gene: CHRNA2 (cholinergic receptor nicotinic alpha 2 subunit; minus strand). Cytogenetic location: 8p21.2.
Variant type: single nucleotide variant.
Coding change: c.1378C>A on transcript NM_000742.4 (MANE Select); coding-DNA position 1378, C replaced by A.
Protein change: p.Leu460Met; replaces leucine 460 with methionine.
Molecular consequence: missense variant.
Genome position (GRCh38, 1-based): chr8:27,463,065, G>T on the plus strand (C>A on the coding strand, the complement: CHRNA2 is on the minus strand). VCF-style: chr8-27463065-G-T. GRCh37 (hg19) VCF-style: chr8-27320582-G-T.
Other names: c.1333C>A, p.Leu445Met (NM_001282455.2); c.901C>A, p.Leu301Met (NM_001347705.2, NM_001347706.2); c.784C>A, p.Leu262Met (NM_001347707.2, NM_001347708.2); short protein forms L460M, L445M, L262M, L301M.
Identifiers: ClinVar variation 572245 (VCV000572245.5), dbSNP rs765948265, ClinGen allele CA370808042.